The following is an entry in ClinVar:

NM_138927.4(SON):c.3260G>T (p.Gly1087Val)

Gene: SON (SON DNA and RNA binding protein; plus strand). Cytogenetic location: 21q22.11.
Variant type: single nucleotide variant.
Coding change: c.3260G>T on transcript NM_138927.4 (MANE Select); coding-DNA position 3260, G replaced by T.
Protein change: p.Gly1087Val; replaces glycine 1087 with valine.
Molecular consequence: missense variant. On other transcripts: non-coding transcript variant (1), intron variant (1).
Genome position (GRCh38, 1-based): chr21:33,552,491, G>T. VCF-style: chr21-33552491-G-T. GRCh37 (hg19) VCF-style: chr21-34924797-G-T.
Other names: c.3260G>T, p.Gly1087Val (NM_001291411.2, NM_032195.3); c.245-4665G>T (NM_001291412.3); short protein forms G1087V.
Identifiers: ClinVar variation 3668225 (VCV003668225.3).

ClinVar aggregate classification (germline): Uncertain significance. Review status: criteria provided, multiple submitters, no conflicts (2 of 4 stars). 2 submissions from 2 submitters: Uncertain significance (2). Last evaluated 2025-11-06.

Submissions (2):

Greenwood Genetic Center Diagnostic Laboratories, Greenwood Genetic Center
Classification: Uncertain significance. Last evaluated: 2025-11-06. Review status: criteria provided, single submitter. Criteria: ACMG Guidelines, 2015. Collection method: clinical testing. Allele origin: germline. Affected: yes.
Comment: PM2

Labcorp Genetics (formerly Invitae), Labcorp
Classification: Uncertain significance. Last evaluated: 2024-12-08. Review status: criteria provided, single submitter. Criteria: Invitae Variant Classification Sherloc (09022015). Collection method: clinical testing. Allele origin: germline.
Comment: This sequence change replaces glycine, which is neutral and non-polar, with valine, which is neutral and non-polar, at codon 1087 of the SON protein (p.Gly1087Val). This variant is not present in population databases (gnomAD no frequency). This variant has not been reported in the literature in individuals affected with SON-related conditions. An algorithm developed to predict the effect of missense changes on protein structure and function (PolyPhen-2) suggests that this variant is likely to be disruptive. In summary, the available evidence is currently insufficient to determine the role of this variant in disease. Therefore, it has been classified as a Variant of Uncertain Significance.